The following is an entry in ClinVar:

NM_002900.3(RBP3):c.967C>A (p.Arg323Ser)

Gene: RBP3 (retinol binding protein 3; plus strand). Cytogenetic location: 10q11.22.
Variant type: single nucleotide variant.
Coding change: c.967C>A on transcript NM_002900.3 (MANE Select); coding-DNA position 967, C replaced by A.
Protein change: p.Arg323Ser; replaces arginine 323 with serine.
Molecular consequence: missense variant.
Genome position (GRCh38, 1-based): chr10:47,349,451, C>A. VCF-style: chr10-47349451-C-A. GRCh37 (hg19) VCF-style: chr10-48389911-G-T.
Other names: short protein forms R323S.
Identifiers: ClinVar variation 2194981 (VCV002194981.4), dbSNP rs373982809, ClinGen allele CA376667398.

ClinVar aggregate classification (germline): Uncertain significance (1 of 4 stars; one submission).

gnomAD v4.1: 1 of 1,612,552 alleles (0.000062%); no homozygotes.

Submission:

Labcorp Genetics (formerly Invitae), Labcorp
Classification: Uncertain significance. Last evaluated: 2022-08-16. Review status: criteria provided, single submitter. Criteria: Invitae Variant Classification Sherloc (09022015). Collection method: clinical testing. Allele origin: germline.
Comment: This variant is not present in population databases (gnomAD no frequency). In summary, the available evidence is currently insufficient to determine the role of this variant in disease. Therefore, it has been classified as a Variant of Uncertain Significance. Algorithms developed to predict the effect of missense changes on protein structure and function are either unavailable or do not agree on the potential impact of this missense change (SIFT: "Deleterious"; PolyPhen-2: "Probably Damaging"; Align-GVGD: "Class C0"). This variant has not been reported in the literature in individuals affected with RBP3-related conditions. This sequence change replaces arginine, which is basic and polar, with serine, which is neutral and polar, at codon 323 of the RBP3 protein (p.Arg323Ser).